The following is an entry in ClinVar:

ClinVar aggregate classification (germline): Pathogenic. Review status: criteria provided, multiple submitters, no conflicts (2 of 4 stars). 7 submissions from 7 submitters: Pathogenic (5). 2 of the submissions do not count toward it. Last evaluated 2025-02-16.

Conditions:
Glutaric aciduria, type 1. Also called: GA I; Glutaric Acidemia Type 1; Glutaryl-CoA dehydrogenase deficiency; Glutaric acidemia type I; Glutaricaciduria, type I; Glutaricacidemia Type 1. Identifiers: Orphanet 25, MedGen C0268595, MONDO:0009281, OMIM 231670.
GCDH-related disorder. Also called: GCDH-related condition.

Submissions (7):

Laboratory of Genetics, Children's Clinical University Hospital Latvia
Classification: Pathogenic. Last evaluated: 2025-02-16. Review status: criteria provided, single submitter. Criteria: ACMG Guidelines, 2015. Collection method: clinical testing. Allele origin: germline. Affected: yes.

Labcorp Genetics (formerly Invitae), Labcorp
Classification: Pathogenic for Glutaric aciduria, type 1. Last evaluated: 2024-10-21. Review status: criteria provided, single submitter. Criteria: Invitae Variant Classification Sherloc (09022015). Collection method: clinical testing. Allele origin: germline.
Comment: This sequence change creates a premature translational stop signal (p.Tyr74Thrfs*68) in the GCDH gene. It is expected to result in an absent or disrupted protein product. Loss-of-function variants in GCDH are known to be pathogenic (PMID: 10699052, 11854167, 16602100). This variant is present in population databases (no rsID available, gnomAD 0.0009%). This premature translational stop signal has been observed in individual(s) with glutaric acidemia type I (PMID: 28438223). ClinVar contains an entry for this variant (Variation ID: 370484). For these reasons, this variant has been classified as Pathogenic.

Blueprint Genetics
Classification: Pathogenic for GCDH-related disorders. Last evaluated: 2024-07-08. Review status: criteria provided, single submitter. Criteria: ACMG Guidelines, 2015. Collection method: clinical testing. Allele origin: germline. Affected: yes. Observed: 2 variant alleles.

Fulgent Genetics
Classification: Pathogenic for Glutaric aciduria, type 1. Last evaluated: 2024-04-09. Review status: criteria provided, single submitter. Criteria: ACMG Guidelines, 2015. Collection method: clinical testing. Allele origin: germline.

Women's Health and Genetics/Laboratory Corporation of America, LabCorp
Classification: Pathogenic for Glutaric aciduria, type 1. Last evaluated: 2022-04-28. Review status: criteria provided, single submitter. Criteria: LabCorp Variant Classification Summary - May 2015. Collection method: clinical testing. Allele origin: germline.
Comment: Variant summary: GCDH c.219delC (p.Tyr74ThrfsX68) results in a premature termination codon, predicted to cause a truncation of the encoded protein or absence of the protein due to nonsense mediated decay, which are commonly known mechanisms for disease. Truncations downstream of this position have been classified as pathogenic by our laboratory. The variant allele was found at a frequency of 4e-06 in 251386 control chromosomes (gnomAD). c.219delC has been reported in the literature in multiple compound heterozygous individuals affected with Glutaric Acidemia Type 1 (Zschocke_2000, Bahr_2002, Boy_2017, Kurkina_2020). These data indicate that the variant is very likely to be associated with disease. To our knowledge, no experimental evidence demonstrating an impact on protein function has been reported. Three ClinVar submitters have assessed this variant since 2014: one classified the variant as likely pathogenic and two as pathogenic. Based on the evidence outlined above, the variant was classified as pathogenic.

Natera, Inc.
Classification: Pathogenic for Glutaric acidemia type 1. Last evaluated: 2021-05-17. Review status: no assertion criteria provided. Collection method: clinical testing. Allele origin: germline. Not counted in ClinVar's aggregate classification.

Counsyl
Classification: Likely pathogenic for Glutaric aciduria, type 1. Last evaluated: 2016-02-19. Review status: no assertion criteria provided. Collection method: clinical testing. Allele origin: unknown. Not counted in ClinVar's aggregate classification.

Literature cited by the submitters: PubMed 10699052 (cited by Labcorp Genetics (formerly Invitae), Labcorp and Women's Health and Genetics/Laboratory Corporation of America, LabCorp); PubMed 11854167 (cited by Labcorp Genetics (formerly Invitae), Labcorp); PubMed 16602100 (cited by Labcorp Genetics (formerly Invitae), Labcorp); PubMed 28438223 (cited by Labcorp Genetics (formerly Invitae), Labcorp and Women's Health and Genetics/Laboratory Corporation of America, LabCorp); PubMed 32240488 (cited by Women's Health and Genetics/Laboratory Corporation of America, LabCorp); PubMed 12473778 (cited by Women's Health and Genetics/Laboratory Corporation of America, LabCorp and Counsyl); PubMed 25255367 (cited by Counsyl).

NM_000159.4(GCDH):c.219del (p.Tyr74fs)

Genes: GCDH (glutaryl-CoA dehydrogenase; plus strand), LOC117125594 (CRISPRi-FlowFISH-validated KLF1 regulatory element; plus strand). Cytogenetic location: 19p13.13.
Variant type: Deletion.
Coding change: c.219del on transcript NM_000159.4 (MANE Select); coding-DNA position 219, one base deleted (C; older notation c.219delC).
Protein change: p.Tyr74fs; shifts the reading frame from tyrosine 74.
Molecular consequence: frameshift variant. On other transcripts: non-coding transcript variant (2).
Genome position (GRCh38, 1-based): chr19:12,891,922, C deleted; the last of 2 consecutive C bases (chr19:12,891,921-12,891,922); deleting either gives the same sequence. VCF-style (leftmost placement, unchanged base first): chr19-12891920-AC-A. GRCh37 (hg19) VCF-style: chr19-13002734-AC-A.
Other names: c.219delC (NM_000159.3); c.219del, p.Tyr74fs (NM_013976.5); short protein forms Y74fs.
Identifiers: ClinVar variation 370484 (VCV000370484.19), dbSNP rs1057516521, ClinGen allele CA16041965.